The following is an entry in ClinVar:

NM_032578.4(MYPN):c.1350G>T (p.Gln450His)

Gene: MYPN (myopalladin; plus strand). Cytogenetic location: 10q21.3.
Variant type: single nucleotide variant.
Coding change: c.1350G>T on transcript NM_032578.4 (MANE Select); coding-DNA position 1350, G replaced by T.
Protein change: p.Gln450His; replaces glutamine 450 with histidine.
Molecular consequence: missense variant. On other transcripts: non-coding transcript variant (2).
Genome position (GRCh38, 1-based): chr10:68,158,518, G>T. VCF-style: chr10-68158518-G-T. GRCh37 (hg19) VCF-style: chr10-69918275-G-T.
Other names: c.1350G>T, p.Gln450His (NM_001256267.2); c.468G>T, p.Gln156His (NM_001256268.2); short protein forms Q156H, Q450H.
Identifiers: ClinVar variation 1770598 (VCV001770598.3), dbSNP rs2042919587, ClinGen allele CA376834467.

ClinVar aggregate classification (germline): Uncertain significance (1 of 4 stars; one submission).

Conditions:
Cardiovascular phenotype. Identifiers: MedGen CN230736.

Allele frequency attached by ClinVar (database versions not stated): gnomAD exomes 0.00001; TOPMed 0.00001.
gnomAD v4.1: 4 of 1,614,016 alleles (0.00025%); highest among the groups gnomAD compares: Non-Finnish European, 0.00034%; no homozygotes.

Submission:

Ambry Genetics
Classification: Uncertain significance for Cardiovascular phenotype. Last evaluated: 2025-07-24. Review status: criteria provided, single submitter. Criteria: Ambry Variant Classification Scheme 2023. Collection method: clinical testing. Allele origin: germline.
Comment: The p.Q450H variant (also known as c.1350G>T), located in coding exon 6 of the MYPN gene, results from a G to T substitution at nucleotide position 1350. The glutamine at codon 450 is replaced by histidine, an amino acid with highly similar properties. This amino acid position is conserved. In addition, the in silico prediction for this alteration is inconclusive. Since supporting evidence is limited at this time, the clinical significance of this alteration remains unclear.